The following is an entry in ClinVar:

NM_002485.5(NBN):c.1525T>C (p.Ser509Pro)

Gene: NBN (nibrin; minus strand). Cytogenetic location: 8q21.3.
Variant type: single nucleotide variant.
Coding change: c.1525T>C on transcript NM_002485.5 (MANE Select); coding-DNA position 1525, T replaced by C.
Protein change: p.Ser509Pro; replaces serine 509 with proline.
Molecular consequence: missense variant.
Genome position (GRCh38, 1-based): chr8:89,953,564, A>G on the plus strand (T>C on the coding strand, the complement: NBN is on the minus strand). VCF-style: chr8-89953564-A-G. GRCh37 (hg19) VCF-style: chr8-90965792-A-G.
Other names: c.1279T>C, p.Ser427Pro (NM_001024688.3); c.1525T>C (NM_002485.4); short protein forms S427P, S509P.
Identifiers: ClinVar variation 991605 (VCV000991605.3), dbSNP rs1810552588, ClinGen allele CA371655670.

ClinVar aggregate classification (germline): Uncertain significance. Review status: criteria provided, single submitter (1 of 4 stars). 2 submissions from 2 submitters: Uncertain significance (1). 1 of the submissions does not count toward it. Last evaluated 2021-06-03.

Conditions:
Hereditary cancer-predisposing syndrome. Also called: Neoplastic Syndromes, Hereditary; Hereditary neoplastic syndrome; Hereditary Cancer Syndrome; Tumor predisposition. Identifiers: Orphanet 140162, MedGen C0027672, MeSH D009386, MONDO:0015356.
Microcephaly, normal intelligence and immunodeficiency (NBS). Also called: Microcephaly with normal intelligence immunodeficiency and lymphoreticular malignancies; Nonsyndromal microcephaly autosomal recessive with normal intelligence; Seemanova syndrome 2; Immunodeficiency, microcephaly with normal intelligence; Ataxia telangiectasia variant V1; BERLIN BREAKAGE SYNDROME. Identifiers: Orphanet 647, MedGen C0398791, MONDO:0009623, OMIM 251260.

Submissions (2):

Ambry Genetics
Classification: Uncertain significance for Hereditary cancer-predisposing syndrome. Last evaluated: 2021-06-03. Review status: criteria provided, single submitter. Criteria: Ambry Variant Classification Scheme 2023. Collection method: clinical testing. Allele origin: germline.
Comment: The p.S509P variant (also known as c.1525T>C), located in coding exon 11 of the NBN gene, results from a T to C substitution at nucleotide position 1525. The serine at codon 509 is replaced by proline, an amino acid with similar properties. This amino acid position is not well conserved in available vertebrate species. In addition, this alteration is predicted to be tolerated by in silico analysis. Since supporting evidence is limited at this time, the clinical significance of this alteration remains unclear.

Natera, Inc.
Classification: Uncertain significance for Nijmegen breakage syndrome. Last evaluated: 2020-07-02. Review status: no assertion criteria provided. Collection method: clinical testing. Allele origin: germline. Not counted in ClinVar's aggregate classification.